The following is an entry in ClinVar:

NM_001365536.1(SCN9A):c.2577del (p.Ile859fs)

Genes: SCN9A (sodium voltage-gated channel alpha subunit 9; minus strand), SCN1A-AS1 (SCN1A and SCN9A antisense RNA 1; plus strand). Cytogenetic location: 2q24.3.
Variant type: Deletion.
Coding change: c.2577del on transcript NM_001365536.1 (MANE Select); coding-DNA position 2577, one base deleted (T; older notation c.2577delT).
Protein change: p.Ile859fs; shifts the reading frame from isoleucine 859.
Molecular consequence: frameshift variant.
Genome position (GRCh38, 1-based): chr2:166,277,280, A deleted on the plus strand (T on the coding strand, the reverse complement: SCN9A is on the minus strand); the first of 2 consecutive A bases (chr2:166,277,280-166,277,281); deleting either gives the same sequence. VCF-style (leftmost placement, unchanged base first): chr2-166277279-CA-C. GRCh37 (hg19) VCF-style: chr2-167133789-CA-C.
Other names: c.2543delT, p.Ile848Metfs (NM_002977.4); c.2544delT (NM_002977.3); short protein forms I848fs, I859fs.
Identifiers: ClinVar variation 574992 (VCV000574992.7), dbSNP rs753900410, ClinGen allele CA1944236.

ClinVar aggregate classification (germline): Pathogenic (1 of 4 stars; one submission).

Conditions:
Generalized epilepsy with febrile seizures plus, type 7 (GEFSP7). Also called: GEFS+, TYPE 7. Identifiers: Orphanet 36387, MedGen C2751778, MONDO:0013470, OMIM 613863.
Neuropathy, hereditary sensory and autonomic, type 2A (HSAN2A). Also called: MORVAN DISEASE; NEUROPATHY, CONGENITAL SENSORY; NEUROPATHY, HEREDITARY SENSORY RADICULAR, AUTOSOMAL RECESSIVE; NEUROPATHY, HEREDITARY SENSORY, TYPE IIA; NEUROPATHY, PROGRESSIVE SENSORY, OF CHILDREN; WNK1-Related HSAN2 (HSAN2A). Identifiers: Orphanet 970, MedGen C2752089, MONDO:0024309, OMIM 201300.

Submission:

Labcorp Genetics (formerly Invitae), Labcorp
Classification: Pathogenic for Neuropathy, hereditary sensory and autonomic, type 2A; Generalized epilepsy with febrile seizures plus, type 7. Last evaluated: 2024-08-20. Review status: criteria provided, single submitter. Criteria: Invitae Variant Classification Sherloc (09022015). Collection method: clinical testing. Allele origin: germline.
Comment: This sequence change creates a premature translational stop signal (p.Ile848Metfs*5) in the SCN9A gene. It is expected to result in an absent or disrupted protein product. Loss-of-function variants in SCN9A are known to be pathogenic (PMID: 17470132, 19304393). This variant is present in population databases (rs753900410, gnomAD 0.007%). This variant has not been reported in the literature in individuals affected with SCN9A-related conditions. ClinVar contains an entry for this variant (Variation ID: 574992). For these reasons, this variant has been classified as Pathogenic.

Literature cited by the submitters: PubMed 17470132; PubMed 19304393.